The following is an entry in ClinVar:

NM_000214.3(JAG1):c.756-2A>G

Gene: JAG1 (jagged canonical Notch ligand 1; minus strand). Cytogenetic location: 20p12.2.
Variant type: single nucleotide variant.
Coding change: c.756-2A>G on transcript NM_000214.3 (MANE Select); the canonical splice acceptor site of the intron before coding-DNA position 756, A replaced by G.
Molecular consequence: splice acceptor variant.
Genome position (GRCh38, 1-based): chr20:10,652,600, T>C on the plus strand (A>G on the coding strand, the complement: JAG1 is on the minus strand). VCF-style: chr20-10652600-T-C. GRCh37 (hg19) VCF-style: chr20-10633248-T-C.
Identifiers: ClinVar variation 4721468 (VCV004721468.1).

ClinVar aggregate classification (germline): Likely pathogenic (1 of 4 stars; one submission).

Conditions:
Alagille syndrome due to a JAG1 point mutation. Also called: HEPATIC DUCTULAR HYPOPLASIA, SYNDROMATIC; JAG1-Related Alagille Syndrome; Alagille Syndrome 1. Identifiers: Orphanet 261619, Orphanet 52, MedGen C1956125, MONDO:0016862, OMIM 118450.

Submission:

Labcorp Genetics (formerly Invitae), Labcorp
Classification: Likely pathogenic for Alagille syndrome due to a JAG1 point mutation. Last evaluated: 2025-06-15. Review status: criteria provided, single submitter. Criteria: Invitae Variant Classification Sherloc (09022015). Collection method: clinical testing. Allele origin: germline.
Comment: This sequence change affects an acceptor splice site in intron 5 of the JAG1 gene. It is expected to disrupt RNA splicing. Variants that disrupt the donor or acceptor splice site typically lead to a loss of protein function (PMID: 16199547), and loss-of-function variants in JAG1 are known to be pathogenic (PMID: 11180599). This variant is not present in population databases (gnomAD no frequency). Disruption of this splice site has been observed in individual(s) with Alagille syndrome (internal data). Algorithms developed to predict the effect of sequence changes on RNA splicing suggest that this variant may disrupt the consensus splice site. In summary, the currently available evidence indicates that the variant is pathogenic, but additional data are needed to prove that conclusively. Therefore, this variant has been classified as Likely Pathogenic.

Literature cited by the submitters: PubMed 16199547; PubMed 11180599.